The following is an entry in ClinVar:

NM_016169.4(SUFU):c.289G>T (p.Asp97Tyr)

Gene: SUFU (SUFU negative regulator of hedgehog signaling; plus strand). Cytogenetic location: 10q24.32.
Variant type: single nucleotide variant.
Coding change: c.289G>T on transcript NM_016169.4 (MANE Select); coding-DNA position 289, G replaced by T.
Protein change: p.Asp97Tyr; replaces aspartic acid 97 with tyrosine.
Molecular consequence: missense variant.
Genome position (GRCh38, 1-based): chr10:102,509,275, G>T. VCF-style: chr10-102509275-G-T. GRCh37 (hg19) VCF-style: chr10-104269032-G-T.
Other names: c.289G>T, p.Asp97Tyr (NM_001178133.2); short protein forms D97Y.
Identifiers: ClinVar variation 4177555 (VCV004177555.1).

ClinVar aggregate classification (germline): Uncertain significance (1 of 4 stars; one submission).

Conditions:
Hereditary cancer-predisposing syndrome. Also called: Neoplastic Syndromes, Hereditary; Tumor predisposition; Hereditary Cancer Syndrome; Hereditary neoplastic syndrome. Identifiers: Orphanet 140162, MedGen C0027672, MeSH D009386, MONDO:0015356.

Submission:

Ambry Genetics
Classification: Uncertain significance for Hereditary cancer-predisposing syndrome. Last evaluated: 2025-08-22. Review status: criteria provided, single submitter. Criteria: Ambry Variant Classification Scheme 2023. Collection method: clinical testing. Allele origin: germline.
Comment: The p.D97Y variant (also known as c.289G>T), located in coding exon 2 of the SUFU gene, results from a G to T substitution at nucleotide position 289. The aspartic acid at codon 97 is replaced by tyrosine, an amino acid with highly dissimilar properties. This amino acid position is conserved. In addition, this alteration is predicted to be deleterious by in silico analysis. Based on the available evidence, the clinical significance of this variant remains unclear.